The following is an entry in ClinVar:

NM_024649.5(BBS1):c.602C>T (p.Thr201Ile)

Gene: BBS1 (Bardet-Biedl syndrome 1; plus strand). Cytogenetic location: 11q13.2.
Variant type: single nucleotide variant.
Coding change: c.602C>T on transcript NM_024649.5 (MANE Select); coding-DNA position 602, C replaced by T.
Protein change: p.Thr201Ile; replaces threonine 201 with isoleucine.
Molecular consequence: missense variant.
Genome position (GRCh38, 1-based): chr11:66,519,627, C>T. VCF-style: chr11-66519627-C-T. GRCh37 (hg19) VCF-style: chr11-66287098-C-T.
Other names: short protein forms T201I.
Identifiers: ClinVar variation 1061853 (VCV001061853.7), dbSNP rs1368294392, ClinGen allele CA381458621.

ClinVar aggregate classification (germline): Uncertain significance. Review status: criteria provided, multiple submitters, no conflicts (2 of 4 stars). 2 submissions from 2 submitters: Uncertain significance (2). Last evaluated 2022-02-02.

Conditions:
Bardet-Biedl syndrome (BBS). Identifiers: Orphanet 110, MedGen C0752166, MONDO:0015229.
Bardet-Biedl syndrome 1 (BBS1). Identifiers: MedGen C2936862, MONDO:0008854, OMIM 209900. Disease mechanism: loss of function.

Allele frequency attached by ClinVar (database versions not stated): gnomAD exomes below 0.00001 and 0.00001.

Submissions (2):

Fulgent Genetics
Classification: Uncertain significance for Bardet-Biedl syndrome 1. Last evaluated: 2022-02-02. Review status: criteria provided, single submitter. Criteria: ACMG Guidelines, 2015. Collection method: clinical testing. Allele origin: unknown.

Labcorp Genetics (formerly Invitae), Labcorp
Classification: Uncertain significance for Bardet-Biedl syndrome. Last evaluated: 2021-08-13. Review status: criteria provided, single submitter. Criteria: Invitae Variant Classification Sherloc (09022015). Collection method: clinical testing. Allele origin: germline.
Comment: This sequence change replaces threonine with isoleucine at codon 201 of the BBS1 protein (p.Thr201Ile). The threonine residue is highly conserved and there is a moderate physicochemical difference between threonine and isoleucine. This variant is not present in population databases (ExAC no frequency). This variant has not been reported in the literature in individuals affected with BBS1-related conditions. Algorithms developed to predict the effect of missense changes on protein structure and function are either unavailable or do not agree on the potential impact of this missense change (SIFT: "Deleterious"; PolyPhen-2: "Probably Damaging"; Align-GVGD: "Class C0"). In summary, the available evidence is currently insufficient to determine the role of this variant in disease. Therefore, it has been classified as a Variant of Uncertain Significance.